The following is an entry in ClinVar:

ClinVar aggregate classification (germline): Uncertain significance (1 of 4 stars; one submission).

Conditions:
HES5-related condition.

Submission:

PreventionGenetics, part of Exact Sciences
Classification: Uncertain significance for HES5-related condition. Last evaluated: 2025-12-11. Review status: criteria provided, single submitter. Criteria: ACMG Guidelines, 2015. Collection method: clinical testing. Allele origin: germline.
Comment: The HES5 c.173A>G variant is predicted to result in the amino acid substitution p.Lys58Arg. To our knowledge, this variant has not been reported in the literature or in a large population database (gnomAD), indicating this variant is rare. At this time, the clinical significance of this variant is uncertain due to the absence of conclusive functional and genetic evidence.

NM_001010926.4(HES5):c.173A>G (p.Lys58Arg)

Gene: HES5 (hes family bHLH transcription factor 5; minus strand). Cytogenetic location: 1p36.32.
Variant type: single nucleotide variant.
Coding change: c.173A>G on transcript NM_001010926.4 (MANE Select); coding-DNA position 173, A replaced by G.
Protein change: p.Lys58Arg; replaces lysine 58 with arginine.
Molecular consequence: missense variant.
Genome position (GRCh38, 1-based): chr1:2,529,893, T>C on the plus strand (A>G on the coding strand, the complement: HES5 is on the minus strand). VCF-style: chr1-2529893-T-C. GRCh37 (hg19) VCF-style: chr1-2461332-T-C.
Other names: short protein forms K58R.
Identifiers: ClinVar variation 4996487 (VCV004996487.1).